The following is an entry in ClinVar:

NM_000057.4(BLM):c.1220+3A>G

Gene: BLM (BLM RecQ like helicase; plus strand). Cytogenetic location: 15q26.1.
Variant type: single nucleotide variant.
Coding change: c.1220+3A>G on transcript NM_000057.4 (MANE Select); 3 bases into the intron after coding-DNA position 1220, A replaced by G.
Molecular consequence: intron variant.
Genome position (GRCh38, 1-based): chr15:90,760,282, A>G. VCF-style: chr15-90760282-A-G. GRCh37 (hg19) VCF-style: chr15-91303512-A-G.
Other names: c.1220+3A>G (NM_001287246.2, NM_001287247.2); c.95+3A>G (NM_001287248.2).
Identifiers: ClinVar variation 949363 (VCV000949363.15), dbSNP rs1429490877, ClinGen allele CA1139664157.

ClinVar aggregate classification (germline): Conflicting classifications of pathogenicity. Review status: criteria provided, conflicting classifications (1 of 4 stars). 4 submissions from 4 submitters: Pathogenic (1); Likely pathogenic (2); Uncertain significance (1). Last evaluated 2026-06-22.

Conditions:
Bloom syndrome (BLM). Also called: Bloom-Torre-Machacek syndrome. Identifiers: Orphanet 125, MedGen C0005859, MONDO:0008876, OMIM 210900.
Hereditary cancer-predisposing syndrome. Also called: Tumor predisposition; Hereditary Cancer Syndrome; Hereditary neoplastic syndrome; Neoplastic Syndromes, Hereditary. Identifiers: Orphanet 140162, MedGen C0027672, MeSH D009386, MONDO:0015356.

gnomAD v4.1: 1 of 1,614,032 alleles (0.000062%); highest among the groups gnomAD compares: Non-Finnish European, 0.000085%; no homozygotes.

Submissions (4):

Myriad Genetics, Inc.
Classification: Likely pathogenic for Bloom syndrome. Last evaluated: 2026-06-22. Review status: criteria provided, single submitter. Criteria: Myriad Autosomal Dominant, Autosomal Recessive and X-Linked Classification Criteria (2023). Collection method: clinical testing. Allele origin: unknown.
Comment: This variant is considered likely pathogenic. This variant has been reported in multiple individuals with clinical features of gene-specific disease [PMID: 17407155, external communications 2026]. mRNA analysis has demonstrated abnormal mRNA splicing occurs [PMID: 17407155].

Ambry Genetics
Classification: Uncertain significance for Hereditary cancer-predisposing syndrome. Last evaluated: 2024-10-01. Review status: criteria provided, single submitter. Criteria: Ambry Variant Classification Scheme 2023. Collection method: clinical testing. Allele origin: germline.
Comment: The c.1220+3A>G intronic variant results from an A to G substitution 3 nucleotides after coding exon 5 in the BLM gene. This alteration has been previously identified in an individual with Bloom syndrome in conjunction with a nonsense alteration, c.814A>T (p.Lys272X); phase (cis or trans) of the two alterations was not determined (German J et al. Hum Mutat, 2007 Aug;28:743-53). This nucleotide position is well conserved in available vertebrate species. In silico splice site analysis predicts that this alteration will weaken the native splice donor site. Since supporting evidence is limited at this time, the clinical significance of this alteration remains unclear.

Natera, Inc.
Classification: Likely pathogenic for Bloom syndrome. Last evaluated: 2024-06-10. Review status: criteria provided, single submitter. Criteria: Natera Variant Classification Schema (03/2026). Collection method: clinical testing. Allele origin: germline.
Comment: The c.1220+3A>G variant in BLM is an intronic variant located outside the canonical splice sites. This variant is rare in the general population with a frequency below the threshold expected for the associated phenotype(s). This variant has been observed in one or more individuals affected with the associated recessive disease, as either homozygous or compound heterozygous with a second variant (PMID: 17407155). Functional studies show that this variant may disrupt protein function (PMID: 17407155). Computational prediction algorithms indicate this variant is likely to affect gene or protein function. Given the available evidence, this variant is classified as Likely Pathogenic.

Labcorp Genetics (formerly Invitae), Labcorp
Classification: Pathogenic for Bloom syndrome. Last evaluated: 2023-10-03. Review status: criteria provided, single submitter. Criteria: Invitae Variant Classification Sherloc (09022015). Collection method: clinical testing. Allele origin: germline.
Comment: This sequence change falls in intron 6 of the BLM gene. It does not directly change the encoded amino acid sequence of the BLM protein. RNA analysis indicates that this variant induces altered splicing and may result in an absent or disrupted protein product. This variant is not present in population databases (gnomAD no frequency). This variant has been observed in individuals with clinical features of Bloom syndrome (PMID: 17407155; Invitae). ClinVar contains an entry for this variant (Variation ID: 949363). Variants that disrupt the consensus splice site are a relatively common cause of aberrant splicing (PMID: 17576681, 9536098). Studies have shown that this variant results in skipping of exon 6 and introduces a premature termination codon (Invitae). The resulting mRNA is expected to undergo nonsense-mediated decay. For these reasons, this variant has been classified as Pathogenic.

Literature cited by the submitters: PubMed 17407155 (cited by 4 submitters); PubMed 17576681 (cited by Labcorp Genetics (formerly Invitae), Labcorp); PubMed 9536098 (cited by Labcorp Genetics (formerly Invitae), Labcorp).